The following is an entry in ClinVar:

NM_014003.4(DHX38):c.2838G>T (p.Met946Ile)

Genes: DHX38 (DEAH-box helicase 38; plus strand), LOC126862391 (CDK7 strongly-dependent group 2 enhancer GRCh37_chr16:72141414-72142613; plus strand). Cytogenetic location: 16q22.2.
Variant type: single nucleotide variant.
Coding change: c.2838G>T on transcript NM_014003.4 (MANE Select); coding-DNA position 2838, G replaced by T.
Protein change: p.Met946Ile; replaces methionine 946 with isoleucine.
Molecular consequence: missense variant.
Genome position (GRCh38, 1-based): chr16:72,107,673, G>T. VCF-style: chr16-72107673-G-T. GRCh37 (hg19) VCF-style: chr16-72141572-G-T.
Other names: short protein forms M946I.
Identifiers: ClinVar variation 1513719 (VCV001513719.6), dbSNP rs2042198005, ClinGen allele CA396714688.
Genomic context (GRCh38, chr16:72,107,673, plus strand): 5'-GTCAAATATCCGGGTTTGCTCATCTCTCCTAGGTGGTCTGACCTCTACCGGGCGGCTGAT[G>T]GTGGAGTTCCCGCTGGACCCTGCCCTGTCCAAGATGCTCATCGTGTCCTGTGACATGGGC-3'
Protein context (NP_054722.2, residues 936-956): TGGLTSTGRL[Met946Ile]VEFPLDPALS

ClinVar aggregate classification (germline): Uncertain significance (1 of 4 stars; one submission).

Allele frequency attached by ClinVar (database versions not stated): gnomAD exomes below 0.00001; TOPMed below 0.00001.
gnomAD v4.1: 1 of 1,614,162 alleles (0.000062%); highest among the groups gnomAD compares: Non-Finnish European, 0.000085%; no homozygotes.

Submission:

Labcorp Genetics (formerly Invitae), Labcorp
Classification: Uncertain significance. Last evaluated: 2022-05-03. Review status: criteria provided, single submitter. Criteria: Invitae Variant Classification Sherloc (09022015). Collection method: clinical testing. Allele origin: germline.
Comment: Algorithms developed to predict the effect of missense changes on protein structure and function are either unavailable or do not agree on the potential impact of this missense change (SIFT: "Deleterious"; PolyPhen-2: "Probably Damaging"; Align-GVGD: "Class C0"). This sequence change replaces methionine, which is neutral and non-polar, with isoleucine, which is neutral and non-polar, at codon 946 of the DHX38 protein (p.Met946Ile). This variant is not present in population databases (gnomAD no frequency). This variant has not been reported in the literature in individuals affected with DHX38-related conditions. In summary, the available evidence is currently insufficient to determine the role of this variant in disease. Therefore, it has been classified as a Variant of Uncertain Significance.